The following is an entry in ClinVar:

NM_001257293.2(HNRNPH1):c.689G>T (p.Arg230Met)

Genes: HNRNPH1 (heterogeneous nuclear ribonucleoprotein H1; minus strand), LOC128966623 (uncharacterized LOC128966623; plus strand). Cytogenetic location: 5q35.3.
Variant type: single nucleotide variant.
Coding change: c.689G>T on transcript NM_001257293.2 (MANE Select); coding-DNA position 689, G replaced by T.
Protein change: p.Arg230Met; replaces arginine 230 with methionine.
Molecular consequence: missense variant. On other transcripts: intron variant (3).
Genome position (GRCh38, 1-based): chr5:179,618,171, C>A on the plus strand (G>T on the coding strand, the complement: HNRNPH1 is on the minus strand). VCF-style: chr5-179618171-C-A. GRCh37 (hg19) VCF-style: chr5-179045172-C-A.
Other names: NM_001395195.1:c.86G>T; c.689G>T, p.Arg230Met (NM_001364226.2, NM_001364227.2, NM_001364228.2 and 36 more transcripts); c.86G>T, p.Arg29Met (NM_001364255.2, NM_001364251.2, NM_001364252.2 and 4 more transcripts); c.533G>T, p.Arg178Met (NM_001364250.2); c.458G>T, p.Arg153Met (NM_001395190.1); c.398-260G>T (NM_001395193.1); c.398-111G>T (NM_001395191.1, NM_001395192.1); short protein forms R153M, R178M, R230M, R29M.
Identifiers: ClinVar variation 4819477 (VCV004819477.1).

ClinVar aggregate classification (germline): Uncertain significance (1 of 4 stars; one submission).

Conditions:
Neurodevelopmental disorder. Identifiers: MedGen C1535926, MeSH D065886, MONDO:0700092.

Submission:

Broad Center for Mendelian Genomics, Broad Institute of MIT and Harvard
Classification: Uncertain significance for Neurodevelopmental disorder. Last evaluated: 2026-03-02. Review status: criteria provided, single submitter. Criteria: ACMG Guidelines, 2015. Collection method: research. Allele origin: germline. Inheritance: Autosomal dominant inheritance.
Comment: Trio exome analysis showed this variant to be de novo. The p.Arg230Met variant in HNRNPH1 has not been previously reported in the literature in individuals with neurodevelopmental disorders, and was absent from large population studies. Computational prediction tools and conservation analyses do not provide strong support for or against an impact to the protein. The number of missense variants reported in HNRNPH1 in the general population is lower than expected, suggesting there is little benign variation in this gene and slightly increasing the possibility that a missense variant in this gene may not be tolerated. In summary, while there is some suspicion for a pathogenic role, the clinical significance of this variant is uncertain. ACMG/AMP Criteria applied: PP2, PM2_supporting, PS2_supporting (Richards 2015).